The following is an entry in ClinVar:

NM_184085.2(TRIM55):c.987A>G (p.Glu329=)

Gene: TRIM55 (tripartite motif containing 55; plus strand). Cytogenetic location: 8q13.1.
Variant type: single nucleotide variant.
Coding change: c.987A>G on transcript NM_184085.2 (MANE Select); coding-DNA position 987, A replaced by G.
Protein change: p.Glu329=; no amino-acid change (glutamic acid 329 retained).
Molecular consequence: synonymous variant. On other transcripts: intron variant (1).
Genome position (GRCh38, 1-based): chr8:66,152,378, A>G. VCF-style: chr8-66152378-A-G. GRCh37 (hg19) VCF-style: chr8-67064613-A-G.
Other names: c.987A>G, p.Glu329= (NM_033058.3, NM_184086.2); c.603+15188A>G (NM_184087.2).
Identifiers: ClinVar variation 3060835 (VCV003060835.2), dbSNP rs4434604, ClinGen allele CA4765863.
Genomic context (GRCh38, chr8:66,152,378, plus strand): 5'-ACTGTGTCCATGGCTGCAGAGATAGTTATAACAATTTACAAGATACCTTACCTTACCAGA[A>G]GATGAAGATGAAGAAGAAGAAGAAGGCGGAGAAGGAGAAAAAGAAGGAGAAGGAGAAGTG-3'
Protein context (NP_908973.1, residues 319-339): KIIREIDFYR[Glu329=]DEDEEEEEGG

ClinVar aggregate classification (germline): Benign (0 of 4 stars; one submission).

Conditions:
TRIM55-related disorder. Also called: TRIM55-related condition.

Allele frequency attached by ClinVar (database versions not stated): gnomAD exomes 0.00387; gnomAD 0.00642; TOPMed 0.00894; ExAC 0.02313; 1000 Genomes Project 0.02456; 1000 Genomes Project 30x 0.02498.
gnomAD v4.1: 6,672 of 1,580,754 alleles (0.42%); highest among the groups gnomAD compares: East Asian, 9.7%; 217 homozygotes.

Submission:

PreventionGenetics, part of Exact Sciences
Classification: Benign for TRIM55-related condition. Last evaluated: 2019-09-24. Review status: no assertion criteria provided. Collection method: clinical testing. Allele origin: germline.
Comment: This variant is classified as benign based on ACMG/AMP sequence variant interpretation guidelines (Richards et al. 2015 PMID: 25741868, with internal and published modifications).